The following is an entry in ClinVar:

NM_001692.4(ATP6V1B1):c.1356del (p.Phe452fs)

Gene: ATP6V1B1 (ATPase H+ transporting V1 subunit B1; plus strand). Cytogenetic location: 2p13.3.
Variant type: Deletion.
Coding change: c.1356del on transcript NM_001692.4 (MANE Select); coding-DNA position 1356, one base deleted (T; older notation c.1356delT).
Protein change: p.Phe452fs; shifts the reading frame from phenylalanine 452.
Molecular consequence: frameshift variant.
Genome position (GRCh38, 1-based): chr2:70,964,843, T deleted; the last of 3 consecutive T bases (chr2:70,964,841-70,964,843); deleting any one gives the same sequence. VCF-style (leftmost placement, unchanged base first): chr2-70964840-GT-G. GRCh37 (hg19) VCF-style: chr2-71191970-GT-G.
Other names: c.1356delT (NM_001692.3); short protein forms F452fs.
Identifiers: ClinVar variation 848844 (VCV000848844.20), dbSNP rs782549406, ClinGen allele CA1701336.

ClinVar aggregate classification (germline): Pathogenic. Review status: criteria provided, multiple submitters, no conflicts (2 of 4 stars). 7 submissions from 7 submitters: Pathogenic (7). Last evaluated 2025-12-15.

Conditions:
Renal tubular acidosis with progressive nerve deafness. Also called: RENAL TUBULAR ACIDOSIS, AUTOSOMAL RECESSIVE, WITH PROGRESSIVE NERVE DEAFNESS; RTA WITH PROGRESSIVE NERVE DEAFNESS; renal tubular acidosis, distal, 2, with progressive sensorineural hearing loss; Distal Renal Tubular Acidosis with Progressive Sensorineural Deafness. Identifiers: MedGen C0403554, MONDO:0009968, OMIM 267300.

Submissions (7):

Clinical Genetics Laboratory, Skane University Hospital Lund
Classification: Pathogenic for Renal tubular acidosis with progressive nerve deafness. Last evaluated: 2025-12-15. Review status: criteria provided, single submitter. Criteria: ACMG Guidelines, 2015. Collection method: clinical testing. Allele origin: germline. Inheritance: Autosomal recessive inheritance. Affected: yes.
Comment: ACMG criteria used: PVS1_Strong, PM2, PM3_Very Strong.

First Genomix Gene Laboratory, Genetic Diagnostics Department
Classification: Pathogenic for Renal tubular acidosis with progressive nerve deafness. Last evaluated: 2025-09-19. Review status: criteria provided, single submitter. Criteria: ACMG Guidelines, 2015. Collection method: clinical testing. Allele origin: germline. Inheritance: Autosomal recessive inheritance. Affected: no. Observed: 1 variant allele.

Natera, Inc.
Classification: Pathogenic for Renal tubular acidosis with progressive nerve deafness. Last evaluated: 2025-06-10. Review status: criteria provided, single submitter. Criteria: Natera Variant Classification Schema (03/2026). Collection method: clinical testing. Allele origin: germline.
Comment: The c.1356delT variant in ATP6V1B1 is a frameshift variant predicted to shift the reading frame beginning at codon 452 and leads to a stop codon 35 codons downstream. This variant is expected to result in nonsense mediated decay, truncation, or a dysfunctional protein product. This variant is rare in the general population with a frequency below the threshold expected for the associated phenotype(s). This variant has been observed in one or more individuals affected with the associated recessive disease, as either homozygous or compound heterozygous with a second variant (PMID: 24975934). Given the available evidence, this variant is classified as Pathogenic.

Labcorp Genetics (formerly Invitae), Labcorp
Classification: Pathogenic. Last evaluated: 2025-01-30. Review status: criteria provided, single submitter. Criteria: Invitae Variant Classification Sherloc (09022015). Collection method: clinical testing. Allele origin: germline.
Comment: This sequence change creates a premature translational stop signal (p.Phe452Leufs*35) in the ATP6V1B1 gene. While this is not anticipated to result in nonsense mediated decay, it is expected to disrupt the last 62 amino acid(s) of the ATP6V1B1 protein. This variant is present in population databases (rs782549406, gnomAD 0.03%). This premature translational stop signal has been observed in individuals with ATP6V1B1-related conditions (PMID: 21614596, 24975934, 29627839). This variant is also known as 452delT. ClinVar contains an entry for this variant (Variation ID: 848844). This variant disrupts a region of the ATP6V1B1 protein in which other variant(s) (p.Ser466*) have been determined to be pathogenic (PMID: 28233610). This suggests that this is a clinically significant region of the protein, and that variants that disrupt it are likely to be disease-causing. For these reasons, this variant has been classified as Pathogenic.

Fulgent Genetics
Classification: Pathogenic for Renal tubular acidosis with progressive nerve deafness. Last evaluated: 2024-02-12. Review status: criteria provided, single submitter. Criteria: ACMG Guidelines, 2015. Collection method: clinical testing. Allele origin: germline.

Victorian Clinical Genetics Services, Murdoch Childrens Research Institute
Classification: Pathogenic for Renal tubular acidosis with progressive nerve deafness. Last evaluated: 2022-06-24. Review status: criteria provided, single submitter. Criteria: ACMG Guidelines, 2015. Collection method: clinical testing. Allele origin: germline. Inheritance: Autosomal recessive inheritance. Affected: yes.
Comment: Based on the classification scheme VCGS_Germline_v1.3.4, this variant is classified as Pathogenic. Following criteria are met: 0102 - Loss of function is a known mechanism of disease in this gene and is associated with renal tubular acidosis with deafness (MIM#267300). (I) 0106 - This gene is associated with autosomal recessive disease. (I) 0205 - Variant is predicted to result in a truncated protein (premature termination codon is NOT located at least 54 nucleotides upstream of the final exon-exon junction) with less than 1/3 of the protein sequence affected. (SP) 0252 - This variant is homozygous. (I) 0304 - Variant is present in gnomAD <0.01 for a recessive condition (v2: 4 heterozygotes, 0 homozygotes). (SP) 0604 - Variant is not located in an established domain, motif, hotspot or informative constraint region. (I) 0702 - Other downstream protein truncating variants comparable to the one identified in this case have strong previous evidence for pathogenicity. At least four others have been reported in ClinVar. (SP) 0801 - This variant has strong previous evidence of pathogenicity in unrelated individuals. It has been reported in at least seven compound heterozygotes and homozygotes with distal renal tubular acidosis with/without hearing loss (ClinVar, PMID: 29627839, 30076350, 31949730, 34159584). (SP) 0905 - No published segregation evidence has been identified for this variant. (I) 1007 - No published functional evidence has been identified for this variant. (I) 1101 - Very strong and specific phenotype match for this individual. (SP) 1208 - Inheritance information for this variant is not currently available in this individual. (I) Legend: (SP) - Supporting pathogenic, (I) - Information, (SB) - Supporting benign

Juno Genomics, Hangzhou Juno Genomics, Inc
Classification: Pathogenic for Renal tubular acidosis with progressive nerve deafness. Review status: criteria provided, single submitter. Criteria: ACMG Guidelines, 2015. Collection method: clinical testing. Allele origin: germline.
Comment: Absent from controls (or at extremely low frequency if recessive) in Genome Aggregation Database.;Null variant in a gene where loss of function (LOF) is a known mechanism of disease.;For recessive disorders, detected in trans with a pathogenic variant.;Patient's phenotype or family history is highly specific for a disease with a single genetic etiology.

Literature cited by the submitters: PubMed 24975934 (cited by Natera, Inc. and Labcorp Genetics (formerly Invitae), Labcorp); PubMed 21614596 (cited by Labcorp Genetics (formerly Invitae), Labcorp); PubMed 29627839 (cited by Labcorp Genetics (formerly Invitae), Labcorp and Victorian Clinical Genetics Services, Murdoch Childrens Research Institute); PubMed 28233610 (cited by Labcorp Genetics (formerly Invitae), Labcorp); PubMed 30076350 (cited by Victorian Clinical Genetics Services, Murdoch Childrens Research Institute); PubMed 31949730 (cited by Victorian Clinical Genetics Services, Murdoch Childrens Research Institute); PubMed 34159584 (cited by Victorian Clinical Genetics Services, Murdoch Childrens Research Institute).